The following is an entry in ClinVar:

NM_014974.3(DIP2C):c.1495-7G>A

Gene: DIP2C (DIP2 acetate--CoA ligase C (putative); minus strand). Cytogenetic location: 10p15.3.
Variant type: single nucleotide variant.
Coding change: c.1495-7G>A on transcript NM_014974.3 (MANE Select); 7 bases into the intron before coding-DNA position 1495, G replaced by A.
Molecular consequence: intron variant.
Genome position (GRCh38, 1-based): chr10:390,100, C>T on the plus strand (G>A on the coding strand, the complement: DIP2C is on the minus strand). VCF-style: chr10-390100-C-T. GRCh37 (hg19) VCF-style: chr10-436040-C-T.
Other names: c.1495-7G>A (NM_014974.2).
Identifiers: ClinVar variation 1532507 (VCV001532507.10), dbSNP rs199841295, ClinGen allele CA5380883.

ClinVar aggregate classification (germline): Likely benign. Review status: criteria provided, single submitter (1 of 4 stars). 2 submissions from 2 submitters: Likely benign (1). 1 of the submissions does not count toward it. Last evaluated 2026-01-27.

Conditions:
DIP2C-related disorder. Also called: DIP2C-related condition.

Allele frequency attached by ClinVar (database versions not stated): ESP Exome Variant Server 0.00015; 1000 Genomes Project 30x 0.00016; 1000 Genomes Project 0.00020; gnomAD exomes 0.00024 and 0.00025; gnomAD 0.00027 and 0.00032; ExAC 0.00028; TOPMed 0.00046.
gnomAD v4.1: 403 of 1,613,068 alleles (0.025%); highest among the groups gnomAD compares: Admixed American, 0.052%; no homozygotes.

Submissions (2):

Labcorp Genetics (formerly Invitae), Labcorp
Classification: Likely benign. Last evaluated: 2026-01-27. Review status: criteria provided, single submitter. Criteria: Invitae Variant Classification Sherloc (09022015). Collection method: clinical testing. Allele origin: germline.

PreventionGenetics, part of Exact Sciences
Classification: Likely benign for DIP2C-related condition. Last evaluated: 2019-06-12. Review status: no assertion criteria provided. Collection method: clinical testing. Allele origin: germline. Not counted in ClinVar's aggregate classification.
Comment: This variant is classified as likely benign based on ACMG/AMP sequence variant interpretation guidelines (Richards et al. 2015 PMID: 25741868, with internal and published modifications).